The following is an entry in ClinVar:

NM_001385641.1(SAMD11):c.1322G>T (p.Gly441Val)

Gene: SAMD11 (sterile alpha motif domain containing 11; plus strand). Cytogenetic location: 1p36.33.
Variant type: single nucleotide variant.
Coding change: c.1322G>T on transcript NM_001385641.1 (MANE Select); coding-DNA position 1322, G replaced by T.
Protein change: p.Gly441Val; replaces glycine 441 with valine.
Molecular consequence: missense variant.
Genome position (GRCh38, 1-based): chr1:941,270, G>T. VCF-style: chr1-941270-G-T. GRCh37 (hg19) VCF-style: chr1-876650-G-T.
Other names: c.833G>T (NM_152486.2); c.1325G>T, p.Gly442Val (NM_001385640.1); c.833G>T, p.Gly278Val (NM_152486.4); short protein forms G278V, G441V, G442V.
Identifiers: ClinVar variation 1348363 (VCV001348363.7), dbSNP rs1320958509, ClinGen allele CA337803842.

ClinVar aggregate classification (germline): Uncertain significance. Review status: criteria provided, multiple submitters, no conflicts (2 of 4 stars). 2 submissions from 2 submitters: Uncertain significance (2). Last evaluated 2025-08-02.

Allele frequency attached by ClinVar (database versions not stated): gnomAD exomes below 0.00001 and 0.00001.

Submissions (2):

Ambry Genetics
Classification: Uncertain significance. Last evaluated: 2025-08-02. Review status: criteria provided, single submitter. Criteria: Ambry Variant Classification Scheme 2023. Collection method: clinical testing. Allele origin: germline.

Labcorp Genetics (formerly Invitae), Labcorp
Classification: Uncertain significance. Last evaluated: 2021-09-16. Review status: criteria provided, single submitter. Criteria: Invitae Variant Classification Sherloc (09022015). Collection method: clinical testing. Allele origin: germline.
Comment: This variant has not been reported in the literature in individuals affected with SAMD11-related conditions. This sequence change replaces glycine with valine at codon 278 of the SAMD11 protein (p.Gly278Val). The glycine residue is weakly conserved and there is a moderate physicochemical difference between glycine and valine. This variant is not present in population databases (ExAC no frequency). Algorithms developed to predict the effect of missense changes on protein structure and function output the following: SIFT: "Tolerated"; PolyPhen-2: "Benign"; Align-GVGD: "Class C0". The valine amino acid residue is found in multiple mammalian species, which suggests that this missense change does not adversely affect protein function. In summary, the available evidence is currently insufficient to determine the role of this variant in disease. Therefore, it has been classified as a Variant of Uncertain Significance.